The following is an entry in ClinVar:

ClinVar aggregate classification (germline): Uncertain significance. Review status: criteria provided, multiple submitters, no conflicts (2 of 4 stars). 2 submissions from 2 submitters: Uncertain significance (2). Last evaluated 2025-04-13.

Conditions:
Cardiovascular phenotype. Identifiers: MedGen CN230736.
Long QT syndrome (LQTS). Identifiers: MedGen C0023976, MeSH D008133, MONDO:0002442. Disease mechanism: loss of function. Inheritance: Various modes of inheritance.

Allele frequency attached by ClinVar (database versions not stated): gnomAD exomes below 0.00001; TOPMed below 0.00001; gnomAD 0.00001.
gnomAD v4.1: 14 of 1,613,852 alleles (0.00087%); highest among the groups gnomAD compares: African/African-American, 0.0013%; no homozygotes.

Submissions (2):

Ambry Genetics
Classification: Uncertain significance for Cardiovascular phenotype. Last evaluated: 2025-04-13. Review status: criteria provided, single submitter. Criteria: Ambry Variant Classification Scheme 2023. Collection method: clinical testing. Allele origin: germline.
Comment: The p.K395E variant (also known as c.1183A>G), located in coding exon 8 of the AKAP9 gene, results from an A to G substitution at nucleotide position 1183. The lysine at codon 395 is replaced by glutamic acid, an amino acid with similar properties. This amino acid position is conserved. In addition, this alteration is predicted to be tolerated by in silico analysis. Since supporting evidence is limited at this time, the clinical significance of this alteration remains unclear.

Labcorp Genetics (formerly Invitae), Labcorp
Classification: Uncertain significance for Long QT syndrome. Last evaluated: 2024-12-12. Review status: criteria provided, single submitter. Criteria: Invitae Variant Classification Sherloc (09022015). Collection method: clinical testing. Allele origin: germline.
Comment: This sequence change replaces lysine, which is basic and polar, with glutamic acid, which is acidic and polar, at codon 395 of the AKAP9 protein (p.Lys395Glu). This variant is present in population databases (no rsID available, gnomAD 0.0009%). This variant has not been reported in the literature in individuals affected with AKAP9-related conditions. ClinVar contains an entry for this variant (Variation ID: 360815). An algorithm developed to predict the effect of missense changes on protein structure and function (PolyPhen-2) suggests that this variant is likely to be disruptive. In summary, the available evidence is currently insufficient to determine the role of this variant in disease. Therefore, it has been classified as a Variant of Uncertain Significance.

NM_005751.5(AKAP9):c.1183A>G (p.Lys395Glu)

Gene: AKAP9 (A-kinase anchoring protein 9; plus strand). Cytogenetic location: 7q21.2.
Variant type: single nucleotide variant.
Coding change: c.1183A>G on transcript NM_005751.5 (MANE Select); coding-DNA position 1183, A replaced by G.
Protein change: p.Lys395Glu; replaces lysine 395 with glutamic acid.
Molecular consequence: missense variant.
Genome position (GRCh38, 1-based): chr7:92,001,100, A>G. VCF-style: chr7-92001100-A-G. GRCh37 (hg19) VCF-style: chr7-91630414-A-G.
Other names: c.1183A>G, p.Lys395Glu (NM_147185.3); short protein forms K395E.
Identifiers: ClinVar variation 360815 (VCV000360815.16), dbSNP rs886062467, ClinGen allele CA10629562.
Genomic context (GRCh38, chr7:92,001,100, plus strand): 5'-AACATGAAATTAGAGCTGACTAATTCTAAGCAAAAAGAAAGACAGTCTTCTGAAGAAATA[A>G]AACAGTTAATGGGGACAGTCGAAGAACTTCAGAAGAGAAATCATAAAGACAGCCAGTTCG-3'
Protein context (NP_005742.4, residues 385-405): QKERQSSEEI[Lys395Glu]QLMGTVEELQ